The following is an entry in ClinVar:

NM_000090.4(COL3A1):c.958C>G (p.Arg320Gly)

Gene: COL3A1 (collagen type III alpha 1 chain; plus strand). Cytogenetic location: 2q32.2.
Variant type: single nucleotide variant.
Coding change: c.958C>G on transcript NM_000090.4 (MANE Select); coding-DNA position 958, C replaced by G.
Protein change: p.Arg320Gly; replaces arginine 320 with glycine.
Molecular consequence: missense variant.
Genome position (GRCh38, 1-based): chr2:188,992,190, C>G. VCF-style: chr2-188992190-C-G. GRCh37 (hg19) VCF-style: chr2-189856916-C-G.
Other names: short protein forms R320G.
Identifiers: ClinVar variation 3069686 (VCV003069686.2), dbSNP rs1386163891, ClinGen allele CA349850083.

ClinVar aggregate classification (germline): Uncertain significance. Review status: criteria provided, multiple submitters, no conflicts (2 of 4 stars). 2 submissions from 2 submitters: Uncertain significance (2). Last evaluated 2025-08-11.

Conditions:
Ehlers-Danlos syndrome, type 4 (EDSVASC). Also called: Ehlers-Danlos Syndrome Type IV; Ehlers-Danlos syndrome vascular type; Ehlers Danlos syndrome, ecchymotic type; Ehlers Danlos syndrome, arterial type; Ehlers Danlos syndrome, Sack-Barabas type. Identifiers: Orphanet 286, MedGen C0268338, MONDO:0017314, OMIM 130050.

gnomAD v4.1: 2 of 1,613,794 alleles (0.00012%); highest among the groups gnomAD compares: Non-Finnish European, 0.00017%; no homozygotes.

Submissions (2):

Labcorp Genetics (formerly Invitae), Labcorp
Classification: Uncertain significance for Ehlers-Danlos syndrome, type 4. Last evaluated: 2025-08-11. Review status: criteria provided, single submitter. Criteria: Invitae Variant Classification Sherloc (09022015). Collection method: clinical testing. Allele origin: germline.
Comment: This sequence change replaces arginine, which is basic and polar, with glycine, which is neutral and non-polar, at codon 320 of the COL3A1 protein (p.Arg320Gly). This variant is not present in population databases (gnomAD no frequency). This variant has not been reported in the literature in individuals affected with COL3A1-related conditions. ClinVar contains an entry for this variant (Variation ID: 3069686). Invitae Evidence Modeling of protein sequence and biophysical properties (such as structural, functional, and spatial information, amino acid conservation, physicochemical variation, residue mobility, and thermodynamic stability) indicates that this missense variant is not expected to disrupt COL3A1 protein function with a negative predictive value of 95%. In summary, the available evidence is currently insufficient to determine the role of this variant in disease. Therefore, it has been classified as a Variant of Uncertain Significance.

All of Us Research Program, National Institutes of Health
Classification: Uncertain significance for Ehlers-Danlos syndrome, type 4. Last evaluated: 2023-02-24. Review status: criteria provided, single submitter. Criteria: ACMG Guidelines, 2015. Collection method: clinical testing. Allele origin: germline. Inheritance: Autosomal dominant inheritance. Observed: 1 variant allele, 1 heterozygote.
Comment: This missense variant replaces arginine with glycine at codon 320 of the COL3A1 protein. Computational prediction suggests that this variant may have deleterious impact on protein structure and function (internally defined REVEL score threshold >= 0.7, PMID: 27666373). To our knowledge, functional studies have not been reported for this variant. This variant has not been reported in individuals affected with COL3A1-related disorders in the literature. This variant has not been identified in the general population by the Genome Aggregation Database (gnomAD). The available evidence is insufficient to determine the role of this variant in disease conclusively. Therefore, this variant is classified as a Variant of Uncertain Significance.

This study involves interpretation of variants in research participants for the purpose of population health screening. Participant phenotype was not available at the time of variant classification. Additional details can be found in publication PMID: 35346344, PMCID: PMC8962531